The following is an entry in ClinVar:

ClinVar aggregate classification (germline): Likely pathogenic (1 of 4 stars; one submission).

Conditions:
Amelogenesis imperfecta hypomaturation type 2A2. Also called: Amelogenesis imperfecta, type IIA2; Amelogenesis imperfecta, hypomaturation type, IIA2; AMELOGENESIS IMPERFECTA, PIGMENTED HYPOMATURATION TYPE, 2. Identifiers: Orphanet 88661, MedGen C2675858, MONDO:0012926, OMIM 612529. Disease mechanism: loss of function.

gnomAD v4.1: 25 of 1,614,060 alleles (0.0015%); highest among the groups gnomAD compares: Middle Eastern, 0.016%; no homozygotes.

Submission:

First Genomix Gene Laboratory, Genetic Diagnostics Department
Classification: Likely pathogenic for Amelogenesis imperfecta hypomaturation type 2A2. Last evaluated: 2025-04-30. Review status: criteria provided, single submitter. Criteria: ACMG Guidelines, 2015. Collection method: clinical testing. Allele origin: germline. Inheritance: Autosomal recessive inheritance. Affected: no. Observed: 1 variant allele.

NM_004771.4(MMP20):c.566T>C (p.Leu189Pro)

Gene: MMP20 (matrix metallopeptidase 20; minus strand). Cytogenetic location: 11q22.2.
Variant type: single nucleotide variant.
Coding change: c.566T>C on transcript NM_004771.4 (MANE Select); coding-DNA position 566, T replaced by C.
Protein change: p.Leu189Pro; replaces leucine 189 with proline.
Molecular consequence: missense variant.
Genome position (GRCh38, 1-based): chr11:102,609,988, A>G on the plus strand (T>C on the coding strand, the complement: MMP20 is on the minus strand). VCF-style: chr11-102609988-A-G. GRCh37 (hg19) VCF-style: chr11-102480719-A-G.
Other names: short protein forms L189P.
Identifiers: ClinVar variation 4845908 (VCV004845908.1).